The following is an entry in ClinVar:

ClinVar aggregate classification (germline): Uncertain significance. Review status: criteria provided, multiple submitters, no conflicts (2 of 4 stars). 4 submissions from 4 submitters: Uncertain significance (4). Last evaluated 2025-12-31.

Conditions:
IGHMBP2-related disorder. Also called: IGHMBP2-related condition; IGHMBP2-related disorders.
Autosomal recessive distal spinal muscular atrophy 1. Also called: HMN VI; NEURONOPATHY, SEVERE INFANTILE AXONAL, WITH RESPIRATORY FAILURE; SEVERE INFANTILE AXONAL NEUROPATHY WITH RESPIRATORY FAILURE; SPINAL MUSCULAR ATROPHY, DIAPHRAGMATIC; Spinal muscular atrophy with respiratory distress 1; NEURONOPATHY, DISTAL HEREDITARY MOTOR, HARDING TYPE VI. Identifiers: Orphanet 98920, MedGen C1858517, MONDO:0011436, OMIM 604320.
Charcot-Marie-Tooth disease axonal type 2S. Also called: CHARCOT-MARIE-TOOTH NEUROPATHY, TYPE 2S; CHARCOT-MARIE-TOOTH DISEASE, AXONAL, AUTOSOMAL RECESSIVE, TYPE 2S. Identifiers: Orphanet 443073, MedGen C4015349, MONDO:0014511, OMIM 616155.

Allele frequency attached by ClinVar (database versions not stated): gnomAD exomes 0.00001 and 0.00003; TOPMed 0.00002; ExAC 0.00003; ESP Exome Variant Server 0.00008.
gnomAD v4.1: 17 of 1,614,154 alleles (0.0011%); highest among the groups gnomAD compares: Admixed American, 0.005%; no homozygotes.

Submissions (4):

PreventionGenetics, part of Exact Sciences
Classification: Uncertain significance for IGHMBP2-related condition. Last evaluated: 2025-12-31. Review status: criteria provided, single submitter. Criteria: ACMG Guidelines, 2015. Collection method: clinical testing. Allele origin: germline.
Comment: The IGHMBP2 c.1814G>A variant is predicted to result in the amino acid substitution p.Arg605Gln. This variant was reported with a second IGHMBP2 variant in an individual with Charcot-Marie-Tooth disease, type 2S (Family 2, Lei et al. 2022. PubMed ID: 35660062). This variant is reported in 0.0099% of alleles in individuals of Ashkenazi Jewish descent in gnomAD. At this time, the clinical significance of this variant is uncertain due to the absence of conclusive functional and genetic evidence.

Women's Health and Genetics/Laboratory Corporation of America, LabCorp
Classification: Uncertain significance. Last evaluated: 2024-06-11. Review status: criteria provided, single submitter. Criteria: LabCorp Variant Classification Summary - May 2015. Collection method: clinical testing. Allele origin: germline.
Comment: Variant summary: IGHMBP2 c.1814G>A (p.Arg605Gln) results in a conservative amino acid change located in the DNA2/NAM7 helicase-like, C-terminal (IPR041679) of the encoded protein sequence. Four of five in-silico tools predict a damaging effect of the variant on protein function. The variant allele was found at a frequency of 2.8e-05 in 251290 control chromosomes. The available data on variant occurrences in the general population are insufficient to allow any conclusion about variant significance. c.1814G>A has been reported in the literature in individuals affected with Charcot-Marie-Tooth Disease, Axonal, Type 2S (Lei_2022). These report(s) do not provide unequivocal conclusions about association of the variant with Charcot-Marie-Tooth Disease, Axonal, Type 2S. To our knowledge, no experimental evidence demonstrating an impact on protein function has been reported. The following publication have been ascertained in the context of this evaluation (PMID: 35660062). ClinVar contains an entry for this variant (Variation ID: 534918). Based on the evidence outlined above, the variant was classified as uncertain significance.

Labcorp Genetics (formerly Invitae), Labcorp
Classification: Uncertain significance for Autosomal recessive distal spinal muscular atrophy 1; Charcot-Marie-Tooth disease axonal type 2S. Last evaluated: 2022-08-20. Review status: criteria provided, single submitter. Criteria: Invitae Variant Classification Sherloc (09022015). Collection method: clinical testing. Allele origin: germline.
Comment: This sequence change replaces arginine, which is basic and polar, with glutamine, which is neutral and polar, at codon 605 of the IGHMBP2 protein (p.Arg605Gln). This variant is present in population databases (rs141107419, gnomAD 0.01%). This variant has not been reported in the literature in individuals affected with IGHMBP2-related conditions. ClinVar contains an entry for this variant (Variation ID: 534918). Advanced modeling of protein sequence and biophysical properties (such as structural, functional, and spatial information, amino acid conservation, physicochemical variation, residue mobility, and thermodynamic stability) performed at Invitae indicates that this missense variant is expected to disrupt IGHMBP2 protein function. In summary, the available evidence is currently insufficient to determine the role of this variant in disease. Therefore, it has been classified as a Variant of Uncertain Significance.

CeGaT Center for Human Genetics Tuebingen
Classification: Uncertain significance. Last evaluated: 2019-07-01. Review status: criteria provided, single submitter. Criteria: CeGaT Center For Human Genetics Tuebingen Variant Classification Criteria Version 2. Collection method: clinical testing. Allele origin: germline. Affected: yes. Observed: 1 variant allele.

Literature cited by the submitters: PubMed 35660062 (cited by Women's Health and Genetics/Laboratory Corporation of America, LabCorp).

NM_002180.3(IGHMBP2):c.1814G>A (p.Arg605Gln)

Gene: IGHMBP2 (immunoglobulin mu DNA binding protein 2; plus strand). Cytogenetic location: 11q13.3.
Variant type: single nucleotide variant.
Coding change: c.1814G>A on transcript NM_002180.3 (MANE Select); coding-DNA position 1814, G replaced by A.
Protein change: p.Arg605Gln; replaces arginine 605 with glutamine.
Molecular consequence: missense variant.
Genome position (GRCh38, 1-based): chr11:68,936,294, G>A. VCF-style: chr11-68936294-G-A. GRCh37 (hg19) VCF-style: chr11-68703762-G-A.
Other names: short protein forms R605Q.
Identifiers: ClinVar variation 534918 (VCV000534918.49), dbSNP rs141107419, ClinGen allele CA6153784.
Genomic context (GRCh38, chr11:68,936,294, plus strand): 5'-TAGGTGAAGTTGGTTTTCTTGCTGAGGACCGGAGGATCAACGTGGCTGTCACCCGTGCCC[G>A]ACGCCACGTGGCGGTCATCTGTGACTCCCGTACTGTCAACAACCATGCATTTTTGAAGAC-3'
Protein context (NP_002171.2, residues 595-615): RRINVAVTRA[Arg605Gln]RHVAVICDSR